The following is an entry in ClinVar:

NM_018249.6(CDK5RAP2):c.2107-15_2108del

Gene: CDK5RAP2 (CDK5 regulatory subunit associated protein 2; minus strand). Cytogenetic location: 9q33.2.
Variant type: Deletion.
Coding change: c.2107-15_2108del on transcript NM_018249.6 (MANE Select); 15 bases into the intron before coding-DNA position 2107 through coding-DNA position 2108, 17 bases deleted (CCATGCTCCATGTAGCT).
Molecular consequence: splice acceptor variant. On other transcripts: non-coding transcript variant (4), intron variant (3).
Genome position (GRCh38, 1-based): chr9:120,460,666-120,460,682, AGCTACATGGAGCATGG deleted on the plus strand (CCATGCTCCATGTAGCT on the coding strand, the reverse complement: CDK5RAP2 is on the minus strand); deleting any 17 consecutive bases within chr9:120,460,666-120,460,683 gives the same sequence; the c. name uses the placement nearest the transcript's 3' end. VCF-style (leftmost placement, unchanged base first): chr9-120460665-AAGCTACATGGAGCATGG-A. GRCh37 (hg19) VCF-style: chr9-123222943-AAGCTACATGGAGCATGG-A.
Other names: c.2103+7178_2103+7194del (NM_001272039.2); c.2104-2060_2104-2044del (NM_001410992.1); c.2104-15_2105del (NM_001410994.1); c.2107-2060_2107-2044del (NM_001410993.1); c.2107-15_2108del (NM_001011649.3).
Identifiers: ClinVar variation 3676899 (VCV003676899.2).

ClinVar aggregate classification (germline): Likely pathogenic (1 of 4 stars; one submission).

Submission:

Labcorp Genetics (formerly Invitae), Labcorp
Classification: Likely pathogenic. Last evaluated: 2024-02-06. Review status: criteria provided, single submitter. Criteria: Invitae Variant Classification Sherloc (09022015). Collection method: clinical testing. Allele origin: germline.
Comment: This variant results in the deletion of part of exon 19 (c.2107-15_2108del) of the CDK5RAP2 gene. It is expected to disrupt RNA splicing. Variants that disrupt the donor or acceptor splice site typically lead to a loss of protein function (PMID: 16199547), and loss-of-function variants in CDK5RAP2 are known to be pathogenic (PMID: 15793586, 20460369, 26436113). This variant is present in population databases (rs756336688, gnomAD 0.0009%). This variant has not been reported in the literature in individuals affected with CDK5RAP2-related conditions. In summary, the currently available evidence indicates that the variant is pathogenic, but additional data are needed to prove that conclusively. Therefore, this variant has been classified as Likely Pathogenic.

Literature cited by the submitters: PubMed 16199547; PubMed 15793586; PubMed 20460369; PubMed 26436113.